The following is an entry in ClinVar:

NM_153252.5(BRWD3):c.*6157C>T

Gene: BRWD3 (bromodomain and WD repeat domain containing 3; minus strand). Cytogenetic location: Xq21.1.
Variant type: single nucleotide variant.
Coding change: c.*6157C>T on transcript NM_153252.5 (MANE Select); 6157 bases downstream of the stop codon, C replaced by T.
Molecular consequence: 3 prime UTR variant.
Genome position (GRCh38, 1-based): chrX:80,670,452, G>A on the plus strand (C>T on the coding strand, the complement: BRWD3 is on the minus strand). VCF-style: chrX-80670452-G-A. GRCh37 (hg19) VCF-style: chrX-79925951-G-A.
Identifiers: ClinVar variation 368685 (VCV000368685.5), dbSNP rs142555243, ClinGen allele CA10652052.

ClinVar aggregate classification (germline): Benign (1 of 4 stars; one submission).

Conditions:
Intellectual developmental disorder, X-linked 93. Also called: MENTAL RETARDATION, X-LINKED, WITH MACROCEPHALY; Intellectual disability, X-linked 93. Identifiers: MedGen C1970841, MONDO:0010393, OMIM 300659.

Allele frequency attached by ClinVar (database versions not stated): 1000 Genomes Project 0.02914; TOPMed 0.03411; gnomAD 0.02125 and 0.02164; 1000 Genomes Project 30x 0.03455.
gnomAD v4.1: 2,389 of 110,265 alleles (2.2%); highest among the groups gnomAD compares: Admixed American, 14%; 116 homozygotes.

Submission:

Illumina Laboratory Services, Illumina
Classification: Benign for Intellectual developmental disorder, X-linked 93. Last evaluated: 2017-04-27. Review status: criteria provided, single submitter. Criteria: ICSL Variant Classification Criteria 13 December 2019. Collection method: clinical testing. Allele origin: germline.
Comment: This variant was observed as part of a predisposition screen in an ostensibly healthy population. A literature search was performed for the gene, cDNA change, and amino acid change (where applicable). No publications were found based on this search. Allele frequency data from public databases was too high to be consistent with this variant causing disease. Therefore, this variant is classified as benign.